The following is an entry in ClinVar:

ClinVar aggregate classification (germline): Uncertain significance. Review status: criteria provided, multiple submitters, no conflicts (2 of 4 stars). 4 submissions from 4 submitters: Uncertain significance (4). Last evaluated 2025-08-20.

Conditions:
Dilated cardiomyopathy 1DD (CMD1DD). Identifiers: Orphanet 154, MedGen C2750995, MONDO:0013168, OMIM 613172.
Primary dilated cardiomyopathy (DCM). Also called: Dilated Cardiomyopathy. Identifiers: Orphanet 217604, MedGen C0007193, MeSH D002311, MONDO:0005021, HP:0001644. Inheritance: Various modes of inheritance.

Allele frequency attached by ClinVar (database versions not stated): gnomAD exomes below 0.00001.

Submissions (4):

Labcorp Genetics (formerly Invitae), Labcorp
Classification: Uncertain significance for Dilated cardiomyopathy 1DD. Last evaluated: 2025-08-20. Review status: criteria provided, single submitter. Criteria: Invitae Variant Classification Sherloc (09022015). Collection method: clinical testing. Allele origin: germline.
Comment: This sequence change replaces leucine, which is neutral and non-polar, with phenylalanine, which is neutral and non-polar, at codon 100 of the RBM20 protein (p.Leu100Phe). This variant is not present in population databases (gnomAD no frequency). This missense change has been observed in individual(s) with dilated cardiomyopathy (PMID: 31568572). ClinVar contains an entry for this variant (Variation ID: 691820). Invitae Evidence Modeling of protein sequence and biophysical properties (such as structural, functional, and spatial information, amino acid conservation, physicochemical variation, residue mobility, and thermodynamic stability) has been performed for this missense variant. However, the output from this modeling did not meet the statistical confidence thresholds required to predict the impact of this variant on RBM20 protein function. In summary, the available evidence is currently insufficient to determine the role of this variant in disease. Therefore, it has been classified as a Variant of Uncertain Significance.

GeneDx
Classification: Uncertain significance. Last evaluated: 2024-05-14. Review status: criteria provided, single submitter. Criteria: GeneDx Variant Classification Process June 2021. Collection method: clinical testing. Allele origin: germline. Affected: yes.
Comment: Has not been previously published as pathogenic or benign to our knowledge; Not observed at significant frequency in large population cohorts (gnomAD); In silico analysis indicates that this missense variant does not alter protein structure/function

Clinical Genomics Laboratory, Stanford Medicine
Classification: Uncertain significance for Dilated cardiomyopathy 1DD. Last evaluated: 2022-10-27. Review status: criteria provided, single submitter. Criteria: ACMG Guidelines, 2015. Collection method: clinical testing. Allele origin: germline. Observed: 1 variant allele, 1 heterozygote.
Comment: The p.Leu100Phe variant in the RBM20 gene has been previously reported in an individual with pediatric onset dilated cardiomyopathy (PMID: 31568572). This variant was absent from large population databases, including the Genome Aggregation Database. This variant is present in ClinVar (Accession: VCV000691820.8). The leucine at position 100 is evolutionarily conserved. Computational tools predict that the p.Leu100Phe variant is deleterious; however, the accuracy of in silico algorithms is limited. These data were assessed using the ACMG/AMP variant interpretation guidelines. In summary, the significance of the p.Leu100Phe variant is uncertain. Additional information is needed to resolve the significance of this variant. [ACMG evidence codes used: PM2; PP3]

Klaassen Lab, Charite University Medicine Berlin
Classification: Uncertain significance for Primary dilated cardiomyopathy. Last evaluated: 2019-07-03. Review status: criteria provided, single submitter. Criteria: ACMG Guidelines, 2015. Collection method: research. Allele origin: germline. Affected: yes.

Literature cited by the submitters: PubMed 31568572 (cited by 3 submitters); PubMed 31333075 (cited by Klaassen Lab, Charite University Medicine Berlin).

NM_001134363.3(RBM20):c.298C>T (p.Leu100Phe)

Gene: RBM20 (RNA binding motif protein 20; plus strand). Cytogenetic location: 10q25.2.
Variant type: single nucleotide variant.
Coding change: c.298C>T on transcript NM_001134363.3 (MANE Select); coding-DNA position 298, C replaced by T.
Protein change: p.Leu100Phe; replaces leucine 100 with phenylalanine.
Molecular consequence: missense variant.
Genome position (GRCh38, 1-based): chr10:110,780,907, C>T. VCF-style: chr10-110780907-C-T. GRCh37 (hg19) VCF-style: chr10-112540665-C-T.
Other names: short protein forms L100F.
Identifiers: ClinVar variation 691820 (VCV000691820.9), dbSNP rs1590673852, ClinGen allele CA378379449.